The following is an entry in ClinVar:

NM_001122752.2(SERPINI1):c.1178G>A (p.Arg393Gln)

Gene: SERPINI1 (serpin family I member 1; plus strand). Cytogenetic location: 3q26.1.
Variant type: single nucleotide variant.
Coding change: c.1178G>A on transcript NM_001122752.2 (MANE Select); coding-DNA position 1178, G replaced by A.
Protein change: p.Arg393Gln; replaces arginine 393 with glutamine.
Molecular consequence: missense variant.
Genome position (GRCh38, 1-based): chr3:167,825,268, G>A. VCF-style: chr3-167825268-G-A. GRCh37 (hg19) VCF-style: chr3-167543056-G-A.
Other names: c.1178G>A, p.Arg393Gln (NM_005025.5); short protein forms R393Q.
Identifiers: ClinVar variation 2975433 (VCV002975433.3), dbSNP rs1712479291, ClinGen allele CA355158045.
Genomic context (GRCh38, chr3:167,825,268, plus strand): 5'-TGTTCACCCCCTCTTTTGTTTACTTCTGAACCAATACAGGTACAATTCTATTCATGGGAC[G>A]AGTCATGCATCCTGAAACAATGAACACAAGTGGACATGATTTCGAAGAACTTTAAGTTAC-3'
Protein context (NP_001116224.1, residues 383-403): RRTGTILFMG[Arg393Gln]VMHPETMNTS

ClinVar aggregate classification (germline): Uncertain significance (1 of 4 stars; one submission).

Conditions:
Familial encephalopathy with neuroserpin inclusion bodies. Also called: ENCEPHALOPATHY, FAMILIAL, WITH COLLINS BODIES. Identifiers: Orphanet 85110, MedGen C1858680, MONDO:0011412, OMIM 604218.

Allele frequency attached by ClinVar (database versions not stated): gnomAD exomes below 0.00001; TOPMed below 0.00001; gnomAD 0.00001.
gnomAD v4.1: 2 of 1,612,896 alleles (0.00012%); highest among the groups gnomAD compares: Non-Finnish European, 0.00017%; no homozygotes.

Submission:

Labcorp Genetics (formerly Invitae), Labcorp
Classification: Uncertain significance for Familial encephalopathy with neuroserpin inclusion bodies. Last evaluated: 2023-12-16. Review status: criteria provided, single submitter. Criteria: Invitae Variant Classification Sherloc (09022015). Collection method: clinical testing. Allele origin: germline.
Comment: This sequence change replaces arginine, which is basic and polar, with glutamine, which is neutral and polar, at codon 393 of the SERPINI1 protein (p.Arg393Gln). This variant is not present in population databases (gnomAD no frequency). This variant has not been reported in the literature in individuals affected with SERPINI1-related conditions. Advanced modeling of protein sequence and biophysical properties (such as structural, functional, and spatial information, amino acid conservation, physicochemical variation, residue mobility, and thermodynamic stability) performed at Invitae indicates that this missense variant is not expected to disrupt SERPINI1 protein function with a negative predictive value of 80%. In summary, the available evidence is currently insufficient to determine the role of this variant in disease. Therefore, it has been classified as a Variant of Uncertain Significance.